The following is an entry in ClinVar:

NM_000222.3(KIT):c.61C>A (p.Gln21Lys)

Gene: KIT (KIT proto-oncogene, receptor tyrosine kinase; plus strand). Cytogenetic location: 4q12.
Variant type: single nucleotide variant.
Coding change: c.61C>A on transcript NM_000222.3 (MANE Select); coding-DNA position 61, C replaced by A.
Protein change: p.Gln21Lys; replaces glutamine 21 with lysine.
Molecular consequence: missense variant.
Genome position (GRCh38, 1-based): chr4:54,658,075, C>A. VCF-style: chr4-54658075-C-A. GRCh37 (hg19) VCF-style: chr4-55524242-C-A.
Other names: c.61C>A, p.Gln21Lys (NM_001093772.2, NM_001385284.1, NM_001385285.1 and 4 more transcripts); short protein forms Q21K.
Identifiers: ClinVar variation 1752165 (VCV001752165.5), dbSNP rs2109521392, ClinGen allele CA356898017.

ClinVar aggregate classification (germline): Uncertain significance. Review status: criteria provided, multiple submitters, no conflicts (2 of 4 stars). 2 submissions from 2 submitters: Uncertain significance (2). Last evaluated 2024-11-15.

Conditions:
Hereditary cancer-predisposing syndrome. Also called: Neoplastic Syndromes, Hereditary; Tumor predisposition; Hereditary Cancer Syndrome; Hereditary neoplastic syndrome. Identifiers: Orphanet 140162, MedGen C0027672, MeSH D009386, MONDO:0015356.
Gastrointestinal stromal tumor. Also called: Gastrointestinal stromal tumor, somatic; Gastrointestinal stroma tumor. Identifiers: Orphanet 44890, MedGen C0238198, MeSH D046152, MONDO:0011719, OMIM 606764, HP:0100723.

Submissions (2):

Labcorp Genetics (formerly Invitae), Labcorp
Classification: Uncertain significance for Gastrointestinal stromal tumor. Last evaluated: 2024-11-15. Review status: criteria provided, single submitter. Criteria: Invitae Variant Classification Sherloc (09022015). Collection method: clinical testing. Allele origin: germline.
Comment: This sequence change replaces glutamine, which is neutral and polar, with lysine, which is basic and polar, at codon 21 of the KIT protein (p.Gln21Lys). This variant is not present in population databases (gnomAD no frequency). This variant has not been reported in the literature in individuals affected with KIT-related conditions. ClinVar contains an entry for this variant (Variation ID: 1752165). An algorithm developed to predict the effect of missense changes on protein structure and function (PolyPhen-2) suggests that this variant is likely to be tolerated. In summary, the available evidence is currently insufficient to determine the role of this variant in disease. Therefore, it has been classified as a Variant of Uncertain Significance.

Ambry Genetics
Classification: Uncertain significance for Hereditary cancer-predisposing syndrome. Last evaluated: 2022-05-01. Review status: criteria provided, single submitter. Criteria: Ambry Variant Classification Scheme 2023. Collection method: clinical testing. Allele origin: germline.
Comment: The p.Q21K variant (also known as c.61C>A), located in coding exon 1 of the KIT gene, results from a C to A substitution at nucleotide position 61. The glutamine at codon 21 is replaced by lysine, an amino acid with similar properties. This amino acid position is conserved. In addition, this alteration is predicted to be tolerated by in silico analysis. Since supporting evidence is limited at this time, the clinical significance of this alteration remains unclear.